The following is an entry in ClinVar:

NM_004984.4(KIF5A):c.3017A>G (p.Asn1006Ser)

Gene: KIF5A (kinesin family member 5A; plus strand). Cytogenetic location: 12q13.3.
Variant type: single nucleotide variant.
Coding change: c.3017A>G on transcript NM_004984.4 (MANE Select); coding-DNA position 3017, A replaced by G.
Protein change: p.Asn1006Ser; replaces asparagine 1006 with serine.
Molecular consequence: missense variant.
Genome position (GRCh38, 1-based): chr12:57,582,626, A>G. VCF-style: chr12-57582626-A-G. GRCh37 (hg19) VCF-style: chr12-57976409-A-G.
Other names: c.2750A>G, p.Asn917Ser (NM_001354705.2); short protein forms N1006S, N917S.
Identifiers: ClinVar variation 1402066 (VCV001402066.8), dbSNP rs2140172688, ClinGen allele CA385517097.

ClinVar aggregate classification (germline): Uncertain significance (1 of 4 stars; one submission).

Conditions:
Spastic paraplegia. Identifiers: MedGen C0037772, HP:0001258.

Submission:

Labcorp Genetics (formerly Invitae), Labcorp
Classification: Uncertain significance for Spastic paraplegia. Last evaluated: 2021-06-17. Review status: criteria provided, single submitter. Criteria: Invitae Variant Classification Sherloc (09022015). Collection method: clinical testing. Allele origin: germline.
Comment: Advanced modeling of protein sequence and biophysical properties (such as structural, functional, and spatial information, amino acid conservation, physicochemical variation, residue mobility, and thermodynamic stability) performed at Invitae indicates that this missense variant is not expected to disrupt KIF5A protein function. In summary, the available evidence is currently insufficient to determine the role of this variant in disease. Therefore, it has been classified as a Variant of Uncertain Significance. Algorithms developed to predict the effect of sequence changes on RNA splicing suggest that this variant may create or strengthen a splice site, but this prediction has not been confirmed by published transcriptional studies. This variant has not been reported in the literature in individuals with KIF5A-related conditions. This variant is not present in population databases (ExAC no frequency). This sequence change replaces asparagine with serine at codon 1006 of the KIF5A protein (p.Asn1006Ser). The asparagine residue is highly conserved and there is a small physicochemical difference between asparagine and serine.